The following is an entry in ClinVar:

ClinVar aggregate classification (germline): Likely pathogenic (1 of 4 stars; one submission).

Conditions:
Mucopolysaccharidosis, MPS-III-A (MPS3A). Also called: Mucopolysaccharidosis, type IIIA; mucopolysaccharidosis type 3A; MPS IIIA (Sanfilippo Syndrome Type A); HEPARAN SULFATE SULFATASE DEFICIENCY; SANFILIPPO SYNDROME A; SULFAMIDASE DEFICIENCY. Identifiers: Orphanet 581, Orphanet 79269, MedGen C0086647, MONDO:0009655, OMIM 252900.

Submission:

Natera, Inc.
Classification: Likely pathogenic for Mucopolysaccharidosis type IIIA. Last evaluated: 2024-08-28. Review status: criteria provided, single submitter. Criteria: Natera Variant Classification Schema (03/2026). Collection method: clinical testing. Allele origin: germline.
Comment: The c.1198C>T variant in SGSH is a nonsense variant predicted to introduce a stop codon at amino acid 400. This variant is expected to result in nonsense mediated decay, truncation, or a dysfunctional protein product. This variant is rare in the general population with a frequency below the threshold expected for the associated phenotype(s). Given the available evidence, this variant is classified as Likely Pathogenic.

NM_000199.5(SGSH):c.1198C>T (p.Gln400Ter)

Gene: SGSH (N-sulfoglucosamine sulfohydrolase; minus strand). Cytogenetic location: 17q25.3.
Variant type: single nucleotide variant.
Coding change: c.1198C>T on transcript NM_000199.5 (MANE Select); coding-DNA position 1198, C replaced by T.
Protein change: p.Gln400Ter; replaces glutamine 400 with a stop codon.
Molecular consequence: nonsense. On other transcripts: 3 prime UTR variant (2), non-coding transcript variant (1).
Genome position (GRCh38, 1-based): chr17:80,210,763, G>A on the plus strand (C>T on the coding strand, the complement: SGSH is on the minus strand). VCF-style: chr17-80210763-G-A. GRCh37 (hg19) VCF-style: chr17-78184562-G-A.
Other names: c.*285C>T (NM_001352921.3); c.*248C>T (NM_001352922.2); short protein forms Q400*.
Identifiers: ClinVar variation 4817903 (VCV004817903.1).
Genomic context (GRCh38, chr17:80,210,763, plus strand): 5'-GCTGACCAGCTGTGGTGCGGTTCAGGAGGTCCTGGAAGGTGGGTGAGACGTAGAAGTCCT[G>A]GTCGATGGGAAAGGGCATCTTGAAGTTGAGGTTGTGCACGAGGCGGAAGTGCCGGTGCTG-3'